The following is an entry in ClinVar:

ClinVar aggregate classification (germline): Likely pathogenic (1 of 4 stars; one submission).

Conditions:
Autosomal dominant nonsyndromic hearing loss 12. Also called: DEAFNESS, AUTOSOMAL DOMINANT 8. Identifiers: Orphanet 90635, MedGen C1832187, MONDO:0011102, OMIM 601543.

Submission:

Victorian Clinical Genetics Services, Murdoch Childrens Research Institute
Classification: Likely pathogenic for Autosomal dominant nonsyndromic hearing loss 12. Last evaluated: 2017-12-28. Review status: criteria provided, single submitter. Criteria: ACMG Guidelines, 2015. Collection method: clinical testing. Allele origin: unknown. Affected: yes.
Comment: A heterozygous missense variant NM_005422.2(TECTA):c.5539T>C, has been identified in exon 17 of 23 of the TECTA gene. This substitutionis predicted to create a moderate amino acid change from serine to proline at amino acid position 1847, NP_005413.2(TECTA):p.(Ser1847Pro). The serine at this position has very high conservation (100 vertebrates, UCSC). In silico software predictions of the pathogenicity of this variant are conflicting (Polyphen, SIFT, CADD, Mutation Taster). It is situated in a Zona Pellucida domain.This variant has not been observed in the gnomAD population database and has not been previously reported in clinical cases. Subsequent analysis of parental samples indicated this variant to be de novo. Based on current information, this variant has been classified as a LIKELY PATHOGENIC.NB:This variant is likely associated with autosomal dominant deafness, however, the possibility of the recessivecondition cannot be excluded.

NM_005422.4(TECTA):c.5539T>C (p.Ser1847Pro)

Genes: TECTA (tectorin alpha; plus strand), TBCEL-TECTA (TBCEL-TECTA readthrough; plus strand). Cytogenetic location: 11q23.3.
Variant type: single nucleotide variant.
Coding change: c.5539T>C on transcript NM_005422.4 (MANE Select); coding-DNA position 5539, T replaced by C.
Protein change: p.Ser1847Pro; replaces serine 1847 with proline.
Molecular consequence: missense variant.
Genome position (GRCh38, 1-based): chr11:121,166,733, T>C. VCF-style: chr11-121166733-T-C. GRCh37 (hg19) VCF-style: chr11-121037442-T-C.
Other names: short protein forms S1847P.
Identifiers: ClinVar variation 869465 (VCV000869465.3), dbSNP rs1947057220, ClinGen allele CA383034752.